The following is an entry in ClinVar:

ClinVar aggregate classification (germline): Uncertain significance (1 of 4 stars; one submission).

Conditions:
Congenital multicore myopathy with external ophthalmoplegia (CMYO1B). Also called: MULTICORE MYOPATHY; Minicore myopathy with external ophthalmoplegia; MULTIMINICORE DISEASE WITH EXTERNAL OPHTHALMOPLEGIA; Congenital myopathy 1B, autosomal recessive; Minicore myopathy. Identifiers: Orphanet 598, Orphanet 98905, MedGen C1850674, MONDO:0009712, OMIM 255320, HP:0003789.
King Denborough syndrome (KDS). Identifiers: MedGen C1840365, MONDO:0020485, OMIM 619542.
Malignant hyperthermia, susceptibility to, 1 (MHS1). Also called: Anesthesia related hyperthermia; Malignant hyperpyrexia; Fulminating hyperpyrexia; Pharmacogenic myopathy; Malignant hyperthermia suceptibility 1; RYR1-Related Malignant Hyperthermia Susceptibility. Identifiers: Orphanet 423, MedGen C2930980, MONDO:0007783, OMIM 145600.
Central core myopathy (CMYO1A). Also called: CONGENITAL MYOPATHY 1A, AUTOSOMAL DOMINANT, WITH SUSCEPTIBILITY TO MALIGNANT HYPERTHERMIA; Central core disease; Myopathy, central fibrillar. Identifiers: Orphanet 597, MedGen C5830701, MONDO:0007294, OMIM 117000.

Submission:

Juno Genomics, Hangzhou Juno Genomics, Inc
Classification: Uncertain significance for Central core myopathy; King Denborough syndrome; Congenital multicore myopathy with external ophthalmoplegia; Malignant hyperthermia, susceptibility to, 1. Review status: criteria provided, single submitter. Criteria: ACMG Guidelines, 2015. Collection method: clinical testing. Allele origin: germline. Affected: yes.
Comment: De novo (both maternity and paternity confirmed) in a patient with the disease and no family history.;Absent from controls (or at extremely low frequency if recessive) in Genome Aggregation Database, Exome Sequencing Project, 1000 Genomes Project, or Exome Aggregation Consortium.;Multiple lines of computational evidence support a deleterious effect on the gene or gene product (conservation, evolutionary, splicing impact, etc).

NM_000540.3(RYR1):c.7801G>A (p.Asp2601Asn)

Gene: RYR1 (ryanodine receptor 1; plus strand). Cytogenetic location: 19q13.2.
Variant type: single nucleotide variant.
Coding change: c.7801G>A on transcript NM_000540.3 (MANE Select); coding-DNA position 7801, G replaced by A.
Protein change: p.Asp2601Asn; replaces aspartic acid 2601 with asparagine.
Molecular consequence: missense variant.
Genome position (GRCh38, 1-based): chr19:38,502,693, G>A. VCF-style: chr19-38502693-G-A. GRCh37 (hg19) VCF-style: chr19-38993333-G-A.
Other names: c.7801G>A, p.Asp2601Asn (NM_001042723.2); short protein forms D2601N.
Identifiers: ClinVar variation 3382896 (VCV003382896.2).
Genomic context (GRCh38, chr19:38,502,693, plus strand): 5'-TCTATGCTGCATACCGTGTACCGCCTGTCTCGGGGTCGTTCGCTCACCAAGGCGCAGCGT[G>A]ACGTCATCGAGGACTGCCTCATGTCGCTCTGCAGGTGGAGCGGGGCAGGCTTCAGGGTGG-3'
Protein context (NP_000531.2, residues 2591-2611): RGRSLTKAQR[Asp2601Asn]VIEDCLMSLC